The following is an entry in ClinVar:

ClinVar aggregate classification (germline): Uncertain significance. Review status: criteria provided, multiple submitters, no conflicts (2 of 4 stars). 4 submissions from 4 submitters: Uncertain significance (4). Last evaluated 2025-11-15.

Conditions:
Hereditary cancer-predisposing syndrome. Also called: Hereditary neoplastic syndrome; Neoplastic Syndromes, Hereditary; Tumor predisposition; Hereditary Cancer Syndrome. Identifiers: Orphanet 140162, MedGen C0027672, MeSH D009386, MONDO:0015356.
Familial adenomatous polyposis 1 (FAP1). Also called: FAMILIAL ADENOMATOUS POLYPOSIS 1, ATTENUATED; POLYPOSIS, ADENOMATOUS INTESTINAL. Identifiers: MedGen C2713442, MONDO:0021056, OMIM 175100. Disease mechanism: loss of function.

Allele frequency attached by ClinVar (database versions not stated): gnomAD 0.00001.
gnomAD v4.1: 1 of 1,613,816 alleles (0.000062%); highest among the groups gnomAD compares: Non-Finnish European, 0.000085%; no homozygotes.

Submissions (4):

Labcorp Genetics (formerly Invitae), Labcorp
Classification: Uncertain significance for Familial adenomatous polyposis 1. Last evaluated: 2025-11-15. Review status: criteria provided, single submitter. Criteria: Invitae Variant Classification Sherloc (09022015). Collection method: clinical testing. Allele origin: germline.
Comment: This sequence change replaces glycine, which is neutral and non-polar, with valine, which is neutral and non-polar, at codon 2293 of the APC protein (p.Gly2293Val). This variant is present in population databases (no rsID available, gnomAD 0.007%). This variant has not been reported in the literature in individuals affected with APC-related conditions. ClinVar contains an entry for this variant (Variation ID: 946515). Invitae Evidence Modeling of protein sequence and biophysical properties (such as structural, functional, and spatial information, amino acid conservation, physicochemical variation, residue mobility, and thermodynamic stability) indicates that this missense variant is not expected to disrupt APC protein function with a negative predictive value of 95%. In summary, the available evidence is currently insufficient to determine the role of this variant in disease. Therefore, it has been classified as a Variant of Uncertain Significance.

Color Diagnostics, LLC DBA Color Health
Classification: Uncertain significance for Hereditary cancer-predisposing syndrome. Last evaluated: 2025-06-25. Review status: criteria provided, single submitter. Criteria: ACMG Guidelines, 2015. Collection method: clinical testing. Allele origin: germline.
Comment: This missense variant replaces glycine with valine at codon 2293 of the APC protein. Computational prediction suggests that this variant may not impact protein structure and function. To our knowledge, functional studies have not been reported for this variant. This variant has not been reported in individuals affected with APC-related disorders in the literature. This variant has been identified in 1/31390 chromosomes in the general population by the Genome Aggregation Database (gnomAD). The available evidence is insufficient to determine the role of this variant in disease conclusively. Therefore, this variant is classified as a Variant of Uncertain Significance.

Baylor Genetics
Classification: Uncertain significance for Familial adenomatous polyposis 1. Last evaluated: 2023-07-14. Review status: criteria provided, single submitter. Criteria: ACMG Guidelines, 2015. Collection method: clinical testing. Allele origin: unknown.

Ambry Genetics
Classification: Uncertain significance for Hereditary cancer-predisposing syndrome. Last evaluated: 2023-04-14. Review status: criteria provided, single submitter. Criteria: Ambry Variant Classification Scheme 2023. Collection method: clinical testing. Allele origin: germline.
Comment: The p.G2293V variant (also known as c.6878G>T), located in coding exon 15 of the APC gene, results from a G to T substitution at nucleotide position 6878. The glycine at codon 2293 is replaced by valine, an amino acid with dissimilar properties. This amino acid position is not well conserved in available vertebrate species. In addition, in silico predictors for this gene do not accurately predict pathogenicity. Since supporting evidence is limited at this time, the clinical significance of this alteration remains unclear.

NM_000038.6(APC):c.6878G>T (p.Gly2293Val)

Gene: APC (APC regulator of Wnt signaling pathway; plus strand). Cytogenetic location: 5q22.2.
Variant type: single nucleotide variant.
Coding change: c.6878G>T on transcript NM_000038.6 (MANE Select); coding-DNA position 6878, G replaced by T.
Protein change: p.Gly2293Val; replaces glycine 2293 with valine.
Molecular consequence: missense variant.
Genome position (GRCh38, 1-based): chr5:112,842,472, G>T. VCF-style: chr5-112842472-G-T. GRCh37 (hg19) VCF-style: chr5-112178169-G-T.
Other names: c.6878G>T, p.Gly2293Val (NM_001127510.3, NM_001354895.2); c.6824G>T, p.Gly2275Val (NM_001127511.3); c.6932G>T, p.Gly2311Val (NM_001354896.2); c.6908G>T, p.Gly2303Val (NM_001354897.2); c.6803G>T, p.Gly2268Val (NM_001354898.2); c.6794G>T, p.Gly2265Val (NM_001354899.2); c.6755G>T, p.Gly2252Val (NM_001354900.2); c.6701G>T, p.Gly2234Val (NM_001354901.2); and 5 more; short protein forms G2133V, G2234V, G2275V, G2010V, G2252V, G2311V, G2167V, G2192V.
Identifiers: ClinVar variation 946515 (VCV000946515.15), dbSNP rs1299914025, ClinGen allele CA16036343.
Genomic context (GRCh38, chr5:112,842,472, plus strand): 5'-GAGCCAAGCCATCTGTGAAATCAGAATTAAGCCCTGTTGCCAGGCAGACATCCCAAATAG[G>T]TGGGTCAAGTAAAGCACCTTCTAGATCAGGATCTAGAGATTCGACCCCTTCAAGACCTGC-3'
Protein context (NP_000029.2, residues 2283-2303): SPVARQTSQI[Gly2293Val]GSSKAPSRSG